The following is an entry in ClinVar:

ClinVar aggregate classification (germline): Uncertain significance (1 of 4 stars; one submission).

Allele frequency attached by ClinVar (database versions not stated): gnomAD exomes below 0.00001; TOPMed 0.00001.
gnomAD v4.1: 5 of 1,605,496 alleles (0.00031%); highest among the groups gnomAD compares: Non-Finnish European, 0.00043%; no homozygotes.

Submission:

GeneDx
Classification: Uncertain significance. Last evaluated: 2019-11-08. Review status: criteria provided, single submitter. Criteria: GeneDx Variant Classification Process June 2021. Collection method: clinical testing. Allele origin: germline. Affected: yes.
Comment: Not observed in large population cohorts (Lek et al., 2016); In silico analysis, which includes protein predictors and evolutionary conservation, supports that this variant does not alter protein structure/function; Has not been previously published as pathogenic or benign to our knowledge

NM_001164508.2(NEB):c.1570T>A (p.Leu524Ile)

Gene: NEB (nebulin; minus strand). Cytogenetic location: 2q23.3.
Variant type: single nucleotide variant.
Coding change: c.1570T>A on transcript NM_001164508.2 (MANE Select); coding-DNA position 1570, T replaced by A.
Protein change: p.Leu524Ile; replaces leucine 524 with isoleucine.
Molecular consequence: missense variant.
Genome position (GRCh38, 1-based): chr2:151,695,682, A>T on the plus strand (T>A on the coding strand, the complement: NEB is on the minus strand). VCF-style: chr2-151695682-A-T. GRCh37 (hg19) VCF-style: chr2-152552196-A-T.
Other names: c.1570T>A, p.Leu524Ile (NM_001164507.2, NM_001271208.2, NM_004543.5); short protein forms L524I.
Identifiers: ClinVar variation 1310089 (VCV001310089.2), dbSNP rs1286428979, ClinGen allele CA348825048.